The following is an entry in ClinVar:

ClinVar aggregate classification (germline): Likely pathogenic (1 of 4 stars; one submission).

Conditions:
Glycine encephalopathy. Also called: Non-ketotic hyperglycinemia; Nonketotic hyperglycinemia. Identifiers: Orphanet 407, MedGen C0751748, MONDO:0011612, HP:0008288.

Submission:

Labcorp Genetics (formerly Invitae), Labcorp
Classification: Likely pathogenic for Glycine encephalopathy. Last evaluated: 2022-04-08. Review status: criteria provided, single submitter. Criteria: Invitae Variant Classification Sherloc (09022015). Collection method: clinical testing. Allele origin: germline.
Comment: This sequence change affects an acceptor splice site in intron 16 of the GLDC gene. It is expected to disrupt RNA splicing. Variants that disrupt the donor or acceptor splice site typically lead to a loss of protein function (PMID: 16199547), and loss-of-function variants in GLDC are known to be pathogenic (PMID: 16601880). This variant is not present in population databases (gnomAD no frequency). This variant has not been reported in the literature in individuals affected with GLDC-related conditions. Algorithms developed to predict the effect of sequence changes on RNA splicing suggest that this variant may disrupt the consensus splice site. In summary, the currently available evidence indicates that the variant is pathogenic, but additional data are needed to prove that conclusively. Therefore, this variant has been classified as Likely Pathogenic.

Literature cited by the submitters: PubMed 16199547; PubMed 16601880.

NM_000170.3(GLDC):c.1927-1G>A

Gene: GLDC (glycine decarboxylase; minus strand). Cytogenetic location: 9p24.1.
Variant type: single nucleotide variant.
Coding change: c.1927-1G>A on transcript NM_000170.3 (MANE Select); the canonical splice acceptor site of the intron before coding-DNA position 1927, G replaced by A.
Molecular consequence: splice acceptor variant.
Genome position (GRCh38, 1-based): chr9:6,558,685, C>T on the plus strand (G>A on the coding strand, the complement: GLDC is on the minus strand). VCF-style: chr9-6558685-C-T. GRCh37 (hg19) VCF-style: chr9-6558685-C-T.
Identifiers: ClinVar variation 1489319 (VCV001489319.6), dbSNP rs2129735367, ClinGen allele CA372882249.